The following is an entry in ClinVar:

NM_015465.5(GEMIN5):c.2393C>T (p.Ala798Val)

Gene: GEMIN5 (gem nuclear organelle associated protein 5; minus strand). Cytogenetic location: 5q33.2.
Variant type: single nucleotide variant.
Coding change: c.2393C>T on transcript NM_015465.5 (MANE Select); coding-DNA position 2393, C replaced by T.
Protein change: p.Ala798Val; replaces alanine 798 with valine.
Molecular consequence: missense variant.
Genome position (GRCh38, 1-based): chr5:154,907,593, G>A on the plus strand (C>T on the coding strand, the complement: GEMIN5 is on the minus strand). VCF-style: chr5-154907593-G-A. GRCh37 (hg19) VCF-style: chr5-154287153-G-A.
Other names: c.2390C>T, p.Ala797Val (NM_001252156.2); c.2393C>T (NM_015465.3); short protein forms A797V, A798V.
Identifiers: ClinVar variation 1698166 (VCV001698166.3), dbSNP rs1561716242, ClinGen allele CA361959349.

ClinVar aggregate classification (germline): Conflicting classifications of pathogenicity. Review status: criteria provided, conflicting classifications (1 of 4 stars). 2 submissions from 2 submitters: Uncertain significance (1); Likely benign (1). Last evaluated 2025-05-26.

Conditions:
Inborn genetic diseases. Identifiers: MedGen C0950123, MeSH D030342.

Allele frequency attached by ClinVar (database versions not stated): TOPMed below 0.00001; gnomAD exomes below 0.00001.
gnomAD v4.1: 8 of 1,610,082 alleles (0.0005%); highest among the groups gnomAD compares: East Asian, 0.0022%; no homozygotes.

Submissions (2):

Ambry Genetics
Classification: Likely benign for Inborn genetic diseases. Last evaluated: 2025-05-26. Review status: criteria provided, single submitter. Criteria: Ambry Variant Classification Scheme 2023. Collection method: clinical testing. Allele origin: germline.

GeneDx
Classification: Uncertain significance. Last evaluated: 2022-01-24. Review status: criteria provided, single submitter. Criteria: GeneDx Variant Classification Process June 2021. Collection method: clinical testing. Allele origin: germline. Affected: yes.
Comment: Has not been previously published as pathogenic or benign to our knowledge; Not observed at significant frequency in large population cohorts (gnomAD); In silico analysis supports that this missense variant does not alter protein structure/function; In silico analysis, which includes splice predictors and evolutionary conservation, suggests this variant may impact gene splicing. In the absence of RNA/functional studies, the actual effect of this sequence change is unknown.